The following is an entry in ClinVar:

NM_000228.3(LAMB3):c.298+1G>A

Gene: LAMB3 (laminin subunit beta 3; minus strand). Cytogenetic location: 1q32.2.
Variant type: single nucleotide variant.
Coding change: c.298+1G>A on transcript NM_000228.3 (MANE Select); the canonical splice donor site of the intron after coding-DNA position 298, G replaced by A.
Molecular consequence: splice donor variant.
Genome position (GRCh38, 1-based): chr1:209,638,533, C>T on the plus strand (G>A on the coding strand, the complement: LAMB3 is on the minus strand). VCF-style: chr1-209638533-C-T. GRCh37 (hg19) VCF-style: chr1-209811878-C-T.
Other names: c.298+1G>A (NM_001127641.1, NM_001017402.2).
Identifiers: ClinVar variation 2814108 (VCV002814108.3), dbSNP rs2076425196, ClinGen allele CA344597511.
Genomic context (GRCh38, chr1:209,638,533, plus strand): 5'-CCATCCGTCTTATCCTGTGGAGGCTGTACAGTTTGAGTTCCCGTAGATGGCAAATGCTCA[C>T]CATTCTGTGACTGCCACCAGCGCATGGGGCCGGAGGATGAAGCCACATTCTCTACTCGGT-3'

ClinVar aggregate classification (germline): Likely pathogenic (1 of 4 stars; one submission).

Allele frequency attached by ClinVar (database versions not stated): gnomAD exomes below 0.00001.

Submission:

Labcorp Genetics (formerly Invitae), Labcorp
Classification: Likely pathogenic. Last evaluated: 2023-05-02. Review status: criteria provided, single submitter. Criteria: Invitae Variant Classification Sherloc (09022015). Collection method: clinical testing. Allele origin: germline.
Comment: Algorithms developed to predict the effect of sequence changes on RNA splicing suggest that this variant may disrupt the consensus splice site. This variant has not been reported in the literature in individuals affected with LAMB3-related conditions. This variant is not present in population databases (gnomAD no frequency). This sequence change affects a donor splice site in intron 4 of the LAMB3 gene. It is expected to disrupt RNA splicing. Variants that disrupt the donor or acceptor splice site typically lead to a loss of protein function (PMID: 16199547), and loss-of-function variants in LAMB3 are known to be pathogenic (PMID: 11023379, 16473856). In summary, the currently available evidence indicates that the variant is pathogenic, but additional data are needed to prove that conclusively. Therefore, this variant has been classified as Likely Pathogenic.

Literature cited by the submitters: PubMed 16199547; PubMed 11023379; PubMed 16473856.